The following is an entry in ClinVar:

NM_004568.6(SERPINB6):c.546C>T (p.Thr182=)

Gene: SERPINB6 (serpin family B member 6; minus strand). Cytogenetic location: 6p25.2.
Variant type: single nucleotide variant.
Coding change: c.546C>T on transcript NM_004568.6 (MANE Select); coding-DNA position 546, C replaced by T.
Protein change: p.Thr182=; no amino-acid change (threonine 182 retained).
Molecular consequence: synonymous variant. On other transcripts: non-coding transcript variant (1).
Genome position (GRCh38, 1-based): chr6:2,953,071, G>A on the plus strand (C>T on the coding strand, the complement: SERPINB6 is on the minus strand). VCF-style: chr6-2953071-G-A. GRCh37 (hg19) VCF-style: chr6-2953305-G-A.
Other names: c.558C>T, p.Thr186= (NM_001195291.3, NM_001374515.1); c.588C>T, p.Thr196= (NM_001271822.2); c.603C>T, p.Thr201= (NM_001271823.2); c.546C>T, p.Thr182= (NM_001271824.2, NM_001271825.2, NM_001297699.2 and 2 more transcripts); c.414C>T, p.Thr138= (NM_001374517.1).
Identifiers: ClinVar variation 4980570 (VCV004980570.1).

ClinVar aggregate classification (germline): Likely benign (1 of 4 stars; one submission).

Conditions:
SERPINB6-related disorder. Also called: SERPINB6-related condition.

gnomAD v4.1: 77 of 1,614,068 alleles (0.0048%); highest among the groups gnomAD compares: Admixed American, 0.0083%; no homozygotes.

Submission:

PreventionGenetics, part of Exact Sciences
Classification: Likely benign for SERPINB6-related condition. Last evaluated: 2026-06-02. Review status: criteria provided, single submitter. Criteria: ACMG Guidelines, 2015. Collection method: clinical testing. Allele origin: germline.
Comment: This variant is classified as likely benign based on ACMG/AMP sequence variant interpretation guidelines (Richards et al. 2015 PMID: 25741868, with internal and published modifications).